The following is an entry in ClinVar:

ClinVar aggregate classification (germline): Uncertain significance (1 of 4 stars; one submission).

Allele frequency attached by ClinVar (database versions not stated): gnomAD exomes below 0.00001.
gnomAD v4.1: 8 of 1,614,078 alleles (0.0005%); highest among the groups gnomAD compares: Non-Finnish European, 0.00068%; no homozygotes.

Submission:

Labcorp Genetics (formerly Invitae), Labcorp
Classification: Uncertain significance. Last evaluated: 2024-07-08. Review status: criteria provided, single submitter. Criteria: Invitae Variant Classification Sherloc (09022015). Collection method: clinical testing. Allele origin: germline.
Comment: This sequence change replaces aspartic acid, which is acidic and polar, with tyrosine, which is neutral and polar, at codon 23 of the DHX32 protein (p.Asp23Tyr). This variant is present in population databases (no rsID available, gnomAD 0.0009%). This variant has not been reported in the literature in individuals affected with DHX32-related conditions. An algorithm developed to predict the effect of missense changes on protein structure and function (PolyPhen-2) suggests that this variant is likely to be disruptive. Algorithms developed to predict the effect of sequence changes on RNA splicing suggest that this variant may create or strengthen a splice site. In summary, the available evidence is currently insufficient to determine the role of this variant in disease. Therefore, it has been classified as a Variant of Uncertain Significance.

NM_018180.3(DHX32):c.67G>T (p.Asp23Tyr)

Gene: DHX32 (DEAH-box helicase 32 (putative); minus strand). Cytogenetic location: 10q26.2.
Variant type: single nucleotide variant.
Coding change: c.67G>T on transcript NM_018180.3 (MANE Select); coding-DNA position 67, G replaced by T.
Protein change: p.Asp23Tyr; replaces aspartic acid 23 with tyrosine.
Molecular consequence: missense variant.
Genome position (GRCh38, 1-based): chr10:125,880,758, C>A on the plus strand (G>T on the coding strand, the complement: DHX32 is on the minus strand). VCF-style: chr10-125880758-C-A. GRCh37 (hg19) VCF-style: chr10-127569327-C-A.
Other names: short protein forms D23Y.
Identifiers: ClinVar variation 2866329 (VCV002866329.3), dbSNP rs1457988623, ClinGen allele CA378669639.